The following is an entry in ClinVar:

NM_001048174.2(MUTYH):c.85A>C (p.Asn29His)

Gene: MUTYH (mutY DNA glycosylase; minus strand). Cytogenetic location: 1p34.1.
Variant type: single nucleotide variant.
Coding change: c.85A>C on transcript NM_001048174.2 (MANE Select); coding-DNA position 85, A replaced by C.
Protein change: p.Asn29His; replaces asparagine 29 with histidine.
Molecular consequence: missense variant. On other transcripts: 5 prime UTR variant (7), non-coding transcript variant (7).
Genome position (GRCh38, 1-based): chr1:45,334,421, T>G on the plus strand (A>C on the coding strand, the complement: MUTYH is on the minus strand). VCF-style: chr1-45334421-T-G. GRCh37 (hg19) VCF-style: chr1-45800093-T-G.
Other names: c.85A>C, p.Asn29His (NM_001048171.2, NM_001048172.2, NM_001048173.2 and 15 more transcripts); c.127A>C, p.Asn43His (NM_001128425.2, NM_001293190.2, NM_001407069.1 and 2 more transcripts); c.-128A>C (NM_001293192.2, NM_001293196.2, NM_001407091.1); c.-187A>C (NM_001350650.2); c.-123A>C (NM_001350651.2, NM_001407082.1); c.-72A>C (NM_001407075.1); c.103A>C, p.Asn35His (NM_001407087.1); short protein forms N29H, N35H, N43H.
Identifiers: ClinVar variation 4113146 (VCV004113146.1).

ClinVar aggregate classification (germline): Uncertain significance (1 of 4 stars; one submission).

Conditions:
Hereditary cancer-predisposing syndrome. Also called: Tumor predisposition; Neoplastic Syndromes, Hereditary; Hereditary neoplastic syndrome; Hereditary Cancer Syndrome. Identifiers: Orphanet 140162, MedGen C0027672, MeSH D009386, MONDO:0015356.

Submission:

Ambry Genetics
Classification: Uncertain significance for Hereditary cancer-predisposing syndrome. Last evaluated: 2025-08-27. Review status: criteria provided, single submitter. Criteria: Ambry Variant Classification Scheme 2023. Collection method: clinical testing. Allele origin: germline.
Comment: The p.N43H variant (also known as c.127A>C), located in coding exon 2 of the MUTYH gene, results from an A to C substitution at nucleotide position 127. The asparagine at codon 43 is replaced by histidine, an amino acid with similar properties. This amino acid position is conserved. In addition, this alteration is predicted to be tolerated by in silico analysis. Based on the available evidence, the clinical significance of this variant remains unclear.